The following is an entry in ClinVar:

ClinVar aggregate classification (germline): Uncertain significance (1 of 4 stars; one submission).

Conditions:
Melanoma, cutaneous malignant, susceptibility to, 5. Also called: Cutaneous malignant melanoma 5. Identifiers: Orphanet 618, MedGen C2751295, MONDO:0013133, OMIM 613099.

Allele frequency attached by ClinVar (database versions not stated): gnomAD 0.00001; TOPMed 0.00001.
gnomAD v4.1: 2 of 1,606,180 alleles (0.00012%); highest among the groups gnomAD compares: Non-Finnish European, 0.00017%; no homozygotes.

Submission:

Labcorp Genetics (formerly Invitae), Labcorp
Classification: Uncertain significance for Melanoma, cutaneous malignant, susceptibility to, 5. Last evaluated: 2022-02-11. Review status: criteria provided, single submitter. Criteria: Invitae Variant Classification Sherloc (09022015). Collection method: clinical testing. Allele origin: germline.
Comment: In summary, the available evidence is currently insufficient to determine the role of this variant in disease. Therefore, it has been classified as a Variant of Uncertain Significance. Algorithms developed to predict the effect of missense changes on protein structure and function are either unavailable or do not agree on the potential impact of this missense change (SIFT: "Deleterious"; PolyPhen-2: "Possibly Damaging"; Align-GVGD: "Class C15"). This variant has not been reported in the literature in individuals affected with MC1R-related conditions. This variant is not present in population databases (gnomAD no frequency). This sequence change replaces phenylalanine, which is neutral and non-polar, with leucine, which is neutral and non-polar, at codon 147 of the MC1R protein (p.Phe147Leu).

NM_002386.4(MC1R):c.439T>C (p.Phe147Leu)

Gene: MC1R (melanocortin 1 receptor; plus strand). Cytogenetic location: 16q24.3.
Variant type: single nucleotide variant.
Coding change: c.439T>C on transcript NM_002386.4 (MANE Select); coding-DNA position 439, T replaced by C.
Protein change: p.Phe147Leu; replaces phenylalanine 147 with leucine.
Molecular consequence: missense variant.
Genome position (GRCh38, 1-based): chr16:89,919,697, T>C. VCF-style: chr16-89919697-T-C. GRCh37 (hg19) VCF-style: chr16-89986105-T-C.
Other names: short protein forms F147L.
Identifiers: ClinVar variation 2162412 (VCV002162412.4), dbSNP rs1165997971, ClinGen allele CA397460786.
Genomic context (GRCh38, chr16:89,919,697, plus strand): 5'-TCCATGCTGTCCAGCCTCTGCTTCCTGGGCGCCATCGCCGTGGACCGCTACATCTCCATC[T>C]TCTACGCACTGCGCTACCACAGCATCGTGACCCTGCCGCGGGCGCGGCGAGCCGTTGCGG-3'
Protein context (NP_002377.4, residues 137-157): AIAVDRYISI[Phe147Leu]YALRYHSIVT